The following is an entry in ClinVar:

ClinVar aggregate classification (germline): Uncertain significance (1 of 4 stars; one submission).

Conditions:
Episodic kinesigenic dyskinesia (EKD). Also called: Paroxysmal kinesigenic dyskinesia. Identifiers: Orphanet 98809, MedGen C1868682, MONDO:0044202.

Submission:

Labcorp Genetics (formerly Invitae), Labcorp
Classification: Uncertain significance for Episodic kinesigenic dyskinesia. Last evaluated: 2023-09-04. Review status: criteria provided, single submitter. Criteria: Invitae Variant Classification Sherloc (09022015). Collection method: clinical testing. Allele origin: germline.
Comment: This variant has not been reported in the literature in individuals affected with PRRT2-related conditions. In summary, the available evidence is currently insufficient to determine the role of this variant in disease. Therefore, it has been classified as a Variant of Uncertain Significance. Advanced modeling of protein sequence and biophysical properties (such as structural, functional, and spatial information, amino acid conservation, physicochemical variation, residue mobility, and thermodynamic stability) performed at Invitae indicates that this missense variant is not expected to disrupt PRRT2 protein function. This variant is not present in population databases (gnomAD no frequency). This sequence change replaces histidine, which is basic and polar, with proline, which is neutral and non-polar, at codon 201 of the PRRT2 protein (p.His201Pro).

NM_145239.3(PRRT2):c.602A>C (p.His201Pro)

Genes: MVP-DT (MVP divergent transcript; minus strand), PRRT2 (proline rich transmembrane protein 2; plus strand). Cytogenetic location: 16p11.2.
Variant type: single nucleotide variant.
Coding change: c.602A>C on transcript NM_145239.3 (MANE Select); coding-DNA position 602, A replaced by C.
Protein change: p.His201Pro; replaces histidine 201 with proline.
Molecular consequence: missense variant.
Genome position (GRCh38, 1-based): chr16:29,813,656, A>C. VCF-style: chr16-29813656-A-C. GRCh37 (hg19) VCF-style: chr16-29824977-A-C.
Other names: c.602A>C, p.His201Pro (NM_001256442.2, NM_001256443.2); short protein forms H201P.
Identifiers: ClinVar variation 2991726 (VCV002991726.3), dbSNP rs2543334677, ClinGen allele CA395479043.